The following is an entry in ClinVar:

ClinVar aggregate classification (germline): Uncertain significance. Review status: criteria provided, multiple submitters, no conflicts (2 of 4 stars). 3 submissions from 3 submitters: Uncertain significance (2). 1 of the submissions does not count toward it. Last evaluated 2022-07-25.

Conditions:
Autosomal recessive nonsyndromic hearing loss 77. Identifiers: Orphanet 90636, MedGen C2746083, MONDO:0013119, OMIM 613079.

Submissions (3):

Labcorp Genetics (formerly Invitae), Labcorp
Classification: Uncertain significance. Last evaluated: 2022-07-25. Review status: criteria provided, single submitter. Criteria: Invitae Variant Classification Sherloc (09022015). Collection method: clinical testing. Allele origin: germline.
Comment: This variant, c.3287_3295del, results in the deletion of 3 amino acid(s) of the LOXHD1 protein (p.Thr1096_Asn1098del), but otherwise preserves the integrity of the reading frame. This variant is not present in population databases (gnomAD no frequency). This variant has not been reported in the literature in individuals affected with LOXHD1-related conditions. ClinVar contains an entry for this variant (Variation ID: 804993). Experimental studies and prediction algorithms are not available or were not evaluated, and the functional significance of this variant is currently unknown. In summary, the available evidence is currently insufficient to determine the role of this variant in disease. Therefore, it has been classified as a Variant of Uncertain Significance.

Athena Diagnostics
Classification: Uncertain significance. Last evaluated: 2019-08-13. Review status: criteria provided, single submitter. Criteria: Athena Diagnostics Criteria. Collection method: clinical testing. Allele origin: germline.

Natera, Inc.
Classification: Uncertain significance for Autosomal recessive deafness type 77. Last evaluated: 2020-09-16. Review status: no assertion criteria provided. Collection method: clinical testing. Allele origin: germline. Not counted in ClinVar's aggregate classification.

NM_001384474.1(LOXHD1):c.3287_3295del (p.Thr1096_Asn1098del)

Gene: LOXHD1 (lipoxygenase homology PLAT domains 1; minus strand). Cytogenetic location: 18q21.1.
Variant type: Deletion.
Coding change: c.3287_3295del on transcript NM_001384474.1 (MANE Select); coding-DNA positions 3287 to 3295, 9 bases deleted (CAGGCAACA; older notation c.3287_3295delCAGGCAACA).
Protein change: p.Thr1096_Asn1098del.
Molecular consequence: inframe deletion. On other transcripts: 5 prime UTR variant (1).
Genome position (GRCh38, 1-based): chr18:46,557,411-46,557,419, TGTTGCCTG deleted on the plus strand (CAGGCAACA on the coding strand, the reverse complement: LOXHD1 is on the minus strand); deleting any 9 consecutive bases within chr18:46,557,411-46,557,424 gives the same sequence; the c. name uses the placement nearest the transcript's 3' end. VCF-style (leftmost placement, unchanged base first): chr18-46557410-CTGTTGCCTG-C. GRCh37 (hg19) VCF-style: chr18-44137373-CTGTTGCCTG-C.
Other names: c.3287_3295delCAGGCAACA (NM_144612.6); c.-47_-39del (NM_001145472.3); c.3287_3295del, p.Thr1096_Asn1098del (NM_144612.7).
Identifiers: ClinVar variation 804993 (VCV000804993.5), dbSNP rs1488153218, ClinGen allele CA629501033.